The following is an entry in ClinVar:

NM_000552.5(VWF):c.2186+7G>A

Gene: VWF (von Willebrand factor; minus strand). Cytogenetic location: 12p13.31.
Variant type: single nucleotide variant.
Coding change: c.2186+7G>A on transcript NM_000552.5 (MANE Select); 7 bases into the intron after coding-DNA position 2186, G replaced by A.
Molecular consequence: intron variant.
Genome position (GRCh38, 1-based): chr12:6,052,536, C>T on the plus strand (G>A on the coding strand, the complement: VWF is on the minus strand). VCF-style: chr12-6052536-C-T. GRCh37 (hg19) VCF-style: chr12-6161702-C-T.
Identifiers: ClinVar variation 4995307 (VCV004995307.1).

ClinVar aggregate classification (germline): Likely benign (1 of 4 stars; one submission).

Conditions:
VWF-related disorder. Also called: VWF-related disorders; VWF-related condition.

gnomAD v4.1: 1 of 1,614,216 alleles (0.000062%); highest among the groups gnomAD compares: Non-Finnish European, 0.000085%; no homozygotes.

Submission:

PreventionGenetics, part of Exact Sciences
Classification: Likely benign for VWF-related condition. Last evaluated: 2025-11-10. Review status: criteria provided, single submitter. Criteria: ACMG Guidelines, 2015. Collection method: clinical testing. Allele origin: germline.
Comment: This variant is classified as likely benign based on ACMG/AMP sequence variant interpretation guidelines (Richards et al. 2015 PMID: 25741868, with internal and published modifications).